The following is an entry in ClinVar:

ClinVar aggregate classification (germline): Pathogenic/Likely pathogenic. Review status: criteria provided, multiple submitters, no conflicts (2 of 4 stars). 6 submissions from 6 submitters: Pathogenic (3); Likely pathogenic (2). 1 of the submissions does not count toward it. Last evaluated 2025-09-05.

Conditions:
Galactosemia. Also called: Galactose intolerance. Identifiers: Orphanet 352, MedGen C0016952, MONDO:0018116, HP:0004919. Disease mechanism: loss of function.
Deficiency of UDPglucose-hexose-1-phosphate uridylyltransferase. Also called: Transferase Deficiency Galactosemia; GALT deficiency; Galactosemia, classic; GALACTOSEMIA I; GALACTOSE-1-PHOSPHATE URIDYLYLTRANSFERASE DEFICIENCY. Identifiers: Orphanet 352, Orphanet 79239, MedGen C0268151, MONDO:0009258, OMIM 230400.

Submissions (6):

Natera, Inc.
Classification: Likely pathogenic for Galactosemia. Last evaluated: 2025-09-05. Review status: criteria provided, single submitter. Criteria: Natera Variant Classification Schema (03/2026). Collection method: clinical testing. Allele origin: germline.
Comment: The c.1052delC variant in GALT is a frameshift variant predicted to shift the reading frame beginning at codon 351 and leads to a stop codon 8 codons downstream. This variant is expected to result in nonsense mediated decay, truncation, or a dysfunctional protein product. This variant is rare in the general population with a frequency below the threshold expected for the associated phenotype(s). Given the available evidence, this variant is classified as Likely Pathogenic.

Labcorp Genetics (formerly Invitae), Labcorp
Classification: Pathogenic for Deficiency of UDPglucose-hexose-1-phosphate uridylyltransferase. Last evaluated: 2025-06-19. Review status: criteria provided, single submitter. Criteria: Invitae Variant Classification Sherloc (09022015). Collection method: clinical testing. Allele origin: germline.
Comment: This sequence change creates a premature translational stop signal (p.Pro351Leufs*8) in the GALT gene. While this is not anticipated to result in nonsense mediated decay, it is expected to disrupt the last 29 amino acid(s) of the GALT protein. This variant is present in population databases (rs749823588, gnomAD 0.0009%). This variant has not been reported in the literature in individuals affected with GALT-related conditions. ClinVar contains an entry for this variant (Variation ID: 193559). This variant disrupts a region of the GALT protein in which other variant(s) (p.Glu363Lys) have been determined to be pathogenic (PMID: 21150919, 30718057). This suggests that this is a clinically significant region of the protein, and that variants that disrupt it are likely to be disease-causing. For these reasons, this variant has been classified as Pathogenic.

Baylor Genetics
Classification: Pathogenic for Deficiency of UDPglucose-hexose-1-phosphate uridylyltransferase. Last evaluated: 2024-03-18. Review status: criteria provided, single submitter. Criteria: ACMG Guidelines, 2015. Collection method: clinical testing. Allele origin: unknown.

Women's Health and Genetics/Laboratory Corporation of America, LabCorp
Classification: Likely pathogenic for Deficiency of UDPglucose-hexose-1-phosphate uridylyltransferase. Last evaluated: 2018-08-27. Review status: criteria provided, single submitter. Criteria: LabCorp Variant Classification Summary - May 2015. Collection method: clinical testing. Allele origin: germline.
Comment: Variant summary: GALT c.1052delC (p.Pro351LeufsX8) results in a premature termination codon, predicted to cause a truncation of the encoded protein or absence of the protein due to nonsense mediated decay, which are commonly known mechanisms for disease. The variant allele was found at a frequency of 4.1e-06 in 246230 control chromosomes (gnomAD). The variant, c.1052delC, has been reported in the literature in individuals affected with Galactosemia. These data do not allow any conclusion about variant significance. To our knowledge, no experimental evidence demonstrating an impact on protein function has been reported. Two clinical diagnostic laboratories have submitted clinical-significance assessments for this variant to ClinVar after 2014 without evidence for independent evaluation. All laboratories classified the variant as pathogenic/likely pathogenic. Based on the evidence outlined above, the variant was classified as likely pathogenic.

Eurofins Ntd Llc (ga)
Classification: Pathogenic. Last evaluated: 2015-05-28. Review status: criteria provided, single submitter. Criteria: EGL Classification Definitions 2015. Collection method: clinical testing. Allele origin: germline. Observed: 2 variant alleles, 2 heterozygotes.

Counsyl
Classification: Likely pathogenic for Deficiency of UDPglucose-hexose-1-phosphate uridylyltransferase. Last evaluated: 2015-12-29. Review status: no assertion criteria provided. Collection method: clinical testing. Allele origin: unknown. Not counted in ClinVar's aggregate classification.

Literature cited by the submitters: PubMed 21150919 (cited by Labcorp Genetics (formerly Invitae), Labcorp); PubMed 30718057 (cited by Labcorp Genetics (formerly Invitae), Labcorp); PubMed 11261429 (cited by Women's Health and Genetics/Laboratory Corporation of America, LabCorp); PubMed 10408771 (cited by Women's Health and Genetics/Laboratory Corporation of America, LabCorp and Counsyl).

NM_000155.4(GALT):c.1052del (p.Pro351fs)

Gene: GALT (galactose-1-phosphate uridylyltransferase; plus strand). Cytogenetic location: 9p13.3.
Variant type: Deletion.
Coding change: c.1052del on transcript NM_000155.4 (MANE Select); coding-DNA position 1052, one base deleted (C; older notation c.1052delC).
Protein change: p.Pro351fs; shifts the reading frame from proline 351.
Molecular consequence: frameshift variant.
Genome position (GRCh38, 1-based): chr9:34,649,557, C deleted; the last of 4 consecutive C bases (chr9:34,649,554-34,649,557); deleting any one gives the same sequence. VCF-style (leftmost placement, unchanged base first): chr9-34649553-AC-A. GRCh37 (hg19) VCF-style: chr9-34649550-AC-A.
Other names: c.725del, p.Pro242fs (NM_001258332.2); short protein forms P242fs.
Identifiers: ClinVar variation 193559 (VCV000193559.21), dbSNP rs111033813, ClinGen allele CA259576.